The following is an entry in ClinVar:

NM_000203.5(IDUA):c.250G>C (p.Gly84Arg)

Genes: IDUA (alpha-L-iduronidase; plus strand), SLC26A1 (solute carrier family 26 member 1; minus strand). Cytogenetic location: 4p16.3.
Variant type: single nucleotide variant.
Coding change: c.250G>C on transcript NM_000203.5 (MANE Select); coding-DNA position 250, G replaced by C.
Protein change: p.Gly84Arg; replaces glycine 84 with arginine.
Molecular consequence: missense variant. On other transcripts: 3 prime UTR variant (2), non-coding transcript variant (1), intron variant (1).
Genome position (GRCh38, 1-based): chr4:987,900, G>C. VCF-style: chr4-987900-G-C. GRCh37 (hg19) VCF-style: chr4-981688-G-C.
Other names: NM_134425.4:c.576+3228C>G; c.250G>C (NM_000203.4); c.*933C>G (NM_213613.4, NM_022042.4); c.576+3228C>G (NM_134425.4); short protein forms G84R.
Identifiers: ClinVar variation 3906899 (VCV003906899.2).
Genomic context (GRCh38, chr4:987,900, plus strand): 5'-TACGTCCTCAGCTGGGACCAGCAGCTCAACCTCGCCTATGTGGGCGCCGTCCCTCACCGC[G>C]GCATCAAGCAGGTCCGGACCCACTGGCTGCTGGAGCTTGTCACCACCAGGTGGGCGGCGG-3'
Protein context (NP_000194.2, residues 74-94): LAYVGAVPHR[Gly84Arg]IKQVRTHWLL

ClinVar aggregate classification (germline): Likely pathogenic. Review status: reviewed by expert panel (3 of 4 stars). 2 submissions from 2 submitters: Likely pathogenic (1). 1 of the submissions does not count toward it. Last evaluated 2025-05-23.

Conditions:
Mucopolysaccharidosis type 1. Also called: IDUA deficiency; MPS I; Mucopolysaccharidosis Type I. Identifiers: Orphanet 579, MedGen C0023786, MONDO:0001586.

gnomAD v4.1: 1 of 1,608,582 alleles (0.000062%); highest among the groups gnomAD compares: Non-Finnish European, 0.000085%; no homozygotes.

Submissions (2):

ClinGen Lysosomal Storage Disorder Variant Curation Expert Panel
Classification: Likely pathogenic for Mucopolysaccharidosis type 1. Last evaluated: 2025-05-23. Review status: reviewed by expert panel. Criteria: ClinGen LSD ACMG Specifications IDUA V1.0.0. Collection method: curation. Allele origin: germline. Inheritance: Autosomal recessive inheritance.
Comment: The NM_000203.5(:c.250G>C variant in IDUA is a missense variant that results in the substitution of glycine by arginine at amino acid 84 (p.Gly84Arg). This variant has been reported in 5 patients with a milder phenotype (MPSI Hurler-Scheie or MPSI Scheie). In two patients homozygous for this genetic change (PMID 31386236), a specific combination of clinical and biochemical evidence diagnostic of MPSI has been reported (PP4). All other probands are also reported to have a confirmed enzymatic diagnosis. One patient is compound heterozygous for the variant and another variant in IDUA that has been classified as likely pathogenic for MPS I by the ClinGen LD VCEP, c.826G>A (p.Glu273Lys) (PMID 21394825); the phase of the variants is unconfirmed (0.25 points). At least 4 patients have been reported to be homozygous for the variant (PMID: 31386236, 35141277) (max 2 x 0.5). Total 1.25 points (PM3). The computational predictor REVEL gives a score of 0.948 which is above the threshold of 0.773, evidence that correlates with impact to IDUA function at the moderate level based on the specifications of the ClinGen Lysosomal Diseases VCEP (PMID: 36413997) (PP3_Moderate). The highest population minor allele frequency in gnomAD v4.1.0. is 8.487e-7 (1/1178256 alleles) in the non-Finnish European population, which meets this criterion at the PM2_Supporting level. Another amino acid change at the same position, c.250G>A (p.Gly84Ser), has been reported (ClinVar Variation ID: 726495); this variant has not yet been classified by the ClinGen LD VCEP. This variant therefore meets the criteria to be classified as likely pathogenic for MPS I based on the IDUA-specific ACMG/AMP criteria applied, as specified by the ClinGen Lysosomal Diseases Variant Curation Expert panel (Specifications Version 1.0.0): PM3, PP3_Moderate, PP4, PM2_Supporting (Classification approved by the ClinGen Lysosomal Diseases Variant Curation Expert Panel n May 23, 2025)

Natera, Inc.
Classification: Likely pathogenic for Mucopolysaccharidosis type I. Last evaluated: 2025-03-17. Review status: criteria provided, single submitter. Criteria: Natera Variant Classification Schema (03/2026). Collection method: clinical testing. Allele origin: germline. Not counted in ClinVar's aggregate classification.
Comment: The c.250G>C variant in IDUA is a missense variant predicted to cause substitution of glycine to arginine at amino acid 84. This variant is rare in the general population with a frequency below the threshold expected for the associated phenotype(s). This variant has been observed in one or more individuals affected with the associated recessive disease, as either homozygous or compound heterozygous with a second variant (PMID: 35141277, 31194252, 21394825). Computational prediction algorithms indicate this variant is likely to affect gene or protein function. Given the available evidence, this variant is classified as Likely Pathogenic.

Literature cited by the submitters: PubMed 35141277 (cited by Natera, Inc.); PubMed 31194252 (cited by Natera, Inc.); PubMed 21394825 (cited by Natera, Inc.).